The following is an entry in ClinVar:

ClinVar aggregate classification (germline): Pathogenic (1 of 4 stars; one submission).

Conditions:
Hereditary cancer-predisposing syndrome. Also called: Hereditary Cancer Syndrome; Hereditary neoplastic syndrome; Tumor predisposition; Neoplastic Syndromes, Hereditary. Identifiers: Orphanet 140162, MedGen C0027672, MeSH D009386, MONDO:0015356.

Submission:

Ambry Genetics
Classification: Pathogenic for Hereditary cancer-predisposing syndrome. Last evaluated: 2016-03-17. Review status: criteria provided, single submitter. Criteria: Ambry Variant Classification Scheme 2023. Collection method: clinical testing. Allele origin: germline.
Comment: The c.2415_2416delTG pathogenic mutation, located in coding exon 9 of the BRCA1 gene, results from a deletion of two nucleotides from nucleotide positions 2415 to 2416, causing a translational frameshift with a predicted alternate stop codon. Since frameshifts are typically deleterious in nature, this alteration is interpreted as a disease-causing mutation (ACMG Recommendations for Standards for Interpretation and Reporting of Sequence Variations. Revision 2007. Genet Med. 2008;10:294).

NM_007294.4(BRCA1):c.2415_2416del (p.Ala806fs)

Gene: BRCA1 (BRCA1 DNA repair associated; minus strand). Cytogenetic location: 17q21.31.
Variant type: Microsatellite.
Coding change: c.2415_2416del on transcript NM_007294.4 (MANE Select); coding-DNA positions 2415 to 2416, 2 bases deleted (TG; older notation c.2415_2416delTG).
Protein change: p.Ala806fs; shifts the reading frame from alanine 806.
Molecular consequence: frameshift variant. On other transcripts: intron variant (137).
Genome position (GRCh38, 1-based): chr17:43,093,115-43,093,116, CA deleted on the plus strand (TG on the coding strand, the reverse complement: BRCA1 is on the minus strand); deleting any 2 consecutive bases within chr17:43,093,115-43,093,119 gives the same sequence; the c. name uses the placement nearest the transcript's 3' end. VCF-style (leftmost placement, unchanged base first): chr17-43093114-GCA-G. GRCh37 (hg19) VCF-style: chr17-41245131-GCA-G.
Other names: c.2415_2416delTG (NM_007294.3); c.2202_2203del, p.Ala735fs (NM_001407571.1, NM_001407853.1, NM_001407894.1 and 9 more transcripts); c.2415_2416del, p.Ala806fs (NM_001407581.1, NM_001407582.1, NM_001407583.1 and 30 more transcripts); c.2412_2413del, p.Ala805fs (NM_001407587.1, NM_001407590.1, NM_001407591.1 and 22 more transcripts); c.2406_2407del, p.Ala803fs (NM_001407646.1, NM_001407647.1); c.2292_2293del, p.Ala765fs (NM_001407648.1, NM_001407664.1, NM_001407665.1 and 19 more transcripts); c.2289_2290del, p.Ala764fs (NM_001407649.1, NM_001407670.1, NM_001407671.1 and 11 more transcripts); c.2337_2338del, p.Ala780fs (NM_001407653.1, NM_001407654.1, NM_001407655.1 and 4 more transcripts); and 42 more; short protein forms A759fs, A806fs, A510fs, A638fs, A718fs, A738fs, A805fs, A679fs.
Identifiers: ClinVar variation 1790927 (VCV001790927.2), dbSNP rs2552188800, ClinGen allele CA2580612619.